The following is an entry in ClinVar:

ClinVar aggregate classification (germline): Uncertain significance (1 of 4 stars; one submission).

Submission:

Women's Health and Genetics/Laboratory Corporation of America, LabCorp
Classification: Uncertain significance. Last evaluated: 2026-05-22. Review status: criteria provided, single submitter. Criteria: LabCorp Variant Classification Summary - May 2015. Collection method: clinical testing. Allele origin: germline.
Comment: Variant summary: MED25 c.1949delT (p.Leu650ProfsX71) results in a premature termination codon in the penultimate exon predicted to cause a truncation of the encoded protein, however, nonsense mediated decay is not expected to occur and current evidence is not sufficient to establish loss of function as a mechanism for disease. The variant was absent in 244308 control chromosomes. The available data on variant occurrences in the general population are insufficient to allow any conclusion about variant significance. To our knowledge, no occurrence of c.1949delT in individuals affected with MED25-related conditions and no experimental evidence demonstrating its impact on protein function have been reported. No submitters have cited clinical-significance assessments for this variant to ClinVar. Based on the evidence outlined above, the variant was classified as uncertain significance.

NM_030973.4(MED25):c.1949del (p.Leu650fs)

Gene: MED25 (mediator complex subunit 25; plus strand). Cytogenetic location: 19q13.33.
Variant type: Deletion.
Coding change: c.1949del on transcript NM_030973.4 (MANE Select); coding-DNA position 1949, one base deleted (T; older notation c.1949delT).
Protein change: p.Leu650fs; shifts the reading frame from leucine 650.
Molecular consequence: frameshift variant.
Genome position (GRCh38, 1-based): chr19:49,835,929, T deleted. VCF-style (leftmost placement, unchanged base first): chr19-49835928-CT-C. GRCh37 (hg19) VCF-style: chr19-50339185-CT-C.
Other names: c.1949delT (NM_030973.4); c.1949del, p.Leu650fs (NM_001378355.1); short protein forms L650fs.
Identifiers: ClinVar variation 4853706 (VCV004853706.1).